The following is an entry in ClinVar:

NM_001037283.2(EIF3B):c.15G>C (p.Glu5Asp)

Gene: EIF3B (eukaryotic translation initiation factor 3 subunit B; plus strand). Cytogenetic location: 7p22.3.
Variant type: single nucleotide variant.
Coding change: c.15G>C on transcript NM_001037283.2 (MANE Select); coding-DNA position 15, G replaced by C.
Protein change: p.Glu5Asp; replaces glutamic acid 5 with aspartic acid.
Molecular consequence: missense variant. On other transcripts: intron variant (2).
Genome position (GRCh38, 1-based): chr7:2,354,936, G>C. VCF-style: chr7-2354936-G-C. GRCh37 (hg19) VCF-style: chr7-2394571-G-C.
Other names: c.-504-298G>C (NM_001362792.2, NM_001362793.2); c.15G>C, p.Glu5Asp (NM_001362791.2, NM_003751.4); short protein forms E5D.
Identifiers: ClinVar variation 2657229 (VCV002657229.24), dbSNP rs1170392725, ClinGen allele CA366615202.

ClinVar aggregate classification (germline): Uncertain significance (1 of 4 stars; one submission).

gnomAD v4.1: 2 of 1,229,636 alleles (0.00016%); highest among the groups gnomAD compares: Non-Finnish European, 0.0002%; no homozygotes.

Submission:

CeGaT Center for Human Genetics Tuebingen
Classification: Uncertain significance. Last evaluated: 2023-06-01. Review status: criteria provided, single submitter. Criteria: CeGaT Center For Human Genetics Tuebingen Variant Classification Criteria Version 2. Collection method: clinical testing. Allele origin: germline. Affected: yes. Observed: 1 variant allele.
Comment: EIF3B: PM2